The following is an entry in ClinVar:

ClinVar aggregate classification (germline): Uncertain significance. Review status: criteria provided, multiple submitters, no conflicts (2 of 4 stars). 5 submissions from 5 submitters: Uncertain significance (4). 1 of the submissions does not count toward it. Last evaluated 2025-05-13.

Conditions:
Immunodeficiency 14 (IMD14A). Also called: ACTIVATED PI3K-DELTA SYNDROME 1; p110-DELTA-ACTIVATING MUTATION CAUSING SENESCENT T CELLS, LYMPHADENOPATHY, AND IMMUNODEFICIENCY; IMMUNODEFICIENCY 14A WITH LYMPHOPROLIFERATION, AUTOSOMAL DOMINANT; Activated PI3K Delta Syndrome Type 1 (APDS1). Identifiers: Orphanet 397596, Orphanet 693661, MedGen C5907821, MONDO:0014222, OMIM 615513.
Inborn genetic diseases. Identifiers: MedGen C0950123, MeSH D030342.
Activated PI3K-delta syndrome. Identifiers: Orphanet 397596, MedGen C3714976, MONDO:0018338.
PIK3CD-related disorder. Also called: PIK3CD-related condition.

gnomAD v4.1: 23 of 1,613,610 alleles (0.0014%); highest among the groups gnomAD compares: African/African-American, 0.021%; no homozygotes.

Submissions (5):

Labcorp Genetics (formerly Invitae), Labcorp
Classification: Uncertain significance for Activated PI3K-delta syndrome. Last evaluated: 2025-05-13. Review status: criteria provided, single submitter. Criteria: Invitae Variant Classification Sherloc (09022015). Collection method: clinical testing. Allele origin: germline.
Comment: This sequence change replaces threonine, which is neutral and polar, with asparagine, which is neutral and polar, at codon 706 of the PIK3CD protein (p.Thr706Asn). The frequency data for this variant in the population databases is considered unreliable, as metrics indicate poor data quality at this position in the gnomAD database. This variant has not been reported in the literature in individuals affected with PIK3CD-related conditions. ClinVar contains an entry for this variant (Variation ID: 3418574). Invitae Evidence Modeling of protein sequence and biophysical properties (such as structural, functional, and spatial information, amino acid conservation, physicochemical variation, residue mobility, and thermodynamic stability) indicates that this missense variant is not expected to disrupt PIK3CD protein function with a negative predictive value of 80%. In summary, the available evidence is currently insufficient to determine the role of this variant in disease. Therefore, it has been classified as a Variant of Uncertain Significance.

PreventionGenetics, part of Exact Sciences
Classification: Uncertain significance for PIK3CD-related condition. Last evaluated: 2025-03-15. Review status: criteria provided, single submitter. Criteria: ACMG Guidelines, 2015. Collection method: clinical testing. Allele origin: germline.
Comment: The PIK3CD c.2117C>A variant is predicted to result in the amino acid substitution p.Thr706Asn. To our knowledge, this variant has not been reported in the literature. This variant is reported in 0.032% of alleles in individuals of African descent in gnomAD. At this time, the clinical significance of this variant is uncertain due to the absence of conclusive functional and genetic evidence.

GeneDx
Classification: Uncertain significance. Last evaluated: 2025-02-03. Review status: criteria provided, single submitter. Criteria: GeneDx Variant Classification Process June 2021. Collection method: clinical testing. Allele origin: germline. Affected: yes.
Comment: In silico analysis indicates that this missense variant does not alter protein structure/function; Has not been previously published as pathogenic or benign to our knowledge

Ambry Genetics
Classification: Uncertain significance for Inborn genetic diseases. Last evaluated: 2024-10-12. Review status: criteria provided, single submitter. Criteria: Ambry Variant Classification Scheme 2023. Collection method: clinical testing. Allele origin: germline.

Rarefied Biosciences Lab
Classification: Likely pathogenic for Activated PI3K-delta syndrome. Review status: no assertion criteria provided. Collection method: research. Allele origin: germline. Affected: yes. Not counted in ClinVar's aggregate classification.
Comment: PIK3CD:c.2117C>A (p.Thr706Asn)This sequence change replaces threonine, which is neutral and polar, with asparagine, which is neutral and polar, at codon 706 of the PIK3CD protein (p.Thr706Asn). The updated population frequency in gnomAD exomes is 0.0000109, indicating that the variant is extremely rare. This variant has not been reported in the literature in individuals affected with PIK3CD-related conditions. Computational prediction tools provide conflicting evidence regarding the impact of this variant on protein function, with some algorithms predicting a benign effect while others predict potential functional impact. Functional immunophenotyping demonstrates elevated T follicular helper (TFH) cells and transitional B cells, as well as increased mTOR signaling activity, which is consistent with a gain-of-function effect observed in activated PI3K delta syndrome (APDS). In summary, despite conflicting computational predictions, the extremely low allele frequency and abnormal functional immunophenotyping (elevated TFH and transitional B cells with mTOR hyperactivation) support a classification of Likely Pathogenic.

Literature cited by the submitters: PubMed 31031754 (cited by Rarefied Biosciences Lab).

NM_005026.5(PIK3CD):c.2117C>A (p.Thr706Asn)

Gene: PIK3CD (phosphatidylinositol-4,5-bisphosphate 3-kinase catalytic subunit delta; plus strand). Cytogenetic location: 1p36.22.
Variant type: single nucleotide variant.
Coding change: c.2117C>A on transcript NM_005026.5 (MANE Select); coding-DNA position 2117, C replaced by A.
Protein change: p.Thr706Asn; replaces threonine 706 with asparagine.
Molecular consequence: missense variant.
Genome position (GRCh38, 1-based): chr1:9,722,036, C>A. VCF-style: chr1-9722036-C-A. GRCh37 (hg19) VCF-style: chr1-9782094-C-A.
Other names: c.2114C>A, p.Thr705Asn (NM_001350234.2); c.2030C>A, p.Thr677Asn (NM_001350235.1); short protein forms T677N, T706N, T705N.
Identifiers: ClinVar variation 3418574 (VCV003418574.6).